The following is an entry in ClinVar:

ClinVar aggregate classification (germline): Uncertain significance (1 of 4 stars; one submission).

Submission:

Labcorp Genetics (formerly Invitae), Labcorp
Classification: Uncertain significance. Last evaluated: 2022-06-17. Review status: criteria provided, single submitter. Criteria: Invitae Variant Classification Sherloc (09022015). Collection method: clinical testing. Allele origin: germline.
Comment: In summary, the available evidence is currently insufficient to determine the role of this variant in disease. Therefore, it has been classified as a Variant of Uncertain Significance. Algorithms developed to predict the effect of missense changes on protein structure and function are either unavailable or do not agree on the potential impact of this missense change (SIFT: "Deleterious"; PolyPhen-2: "Possibly Damaging"; Align-GVGD: "Class C0"). This variant has not been reported in the literature in individuals affected with DEAF1-related conditions. This variant is not present in population databases (gnomAD no frequency). This sequence change replaces lysine, which is basic and polar, with asparagine, which is neutral and polar, at codon 9 of the DEAF1 protein (p.Lys9Asn).

NM_021008.4(DEAF1):c.27G>C (p.Lys9Asn)

Gene: DEAF1 (DEAF1 transcription factor; minus strand). Cytogenetic location: 11p15.5.
Variant type: single nucleotide variant.
Coding change: c.27G>C on transcript NM_021008.4 (MANE Select); coding-DNA position 27, G replaced by C.
Protein change: p.Lys9Asn; replaces lysine 9 with asparagine.
Molecular consequence: missense variant. On other transcripts: intron variant (1).
Genome position (GRCh38, 1-based): chr11:695,021, C>G on the plus strand (G>C on the coding strand, the complement: DEAF1 is on the minus strand). VCF-style: chr11-695021-C-G. GRCh37 (hg19) VCF-style: chr11-695021-C-G.
Other names: c.-437-3423G>C (NM_001367390.1); c.27G>C, p.Lys9Asn (NM_001293634.2); short protein forms K9N.
Identifiers: ClinVar variation 2093983 (VCV002093983.4), dbSNP rs2494508981, ClinGen allele CA378941340.